The following is an entry in ClinVar:

NM_015158.5(KANK1):c.1451A>T (p.Glu484Val)

Gene: KANK1 (KN motif and ankyrin repeat domains 1; plus strand). Cytogenetic location: 9p24.3.
Variant type: single nucleotide variant.
Coding change: c.1451A>T on transcript NM_015158.5 (MANE Select); coding-DNA position 1451, A replaced by T.
Protein change: p.Glu484Val; replaces glutamic acid 484 with valine.
Molecular consequence: missense variant. On other transcripts: non-coding transcript variant (1).
Genome position (GRCh38, 1-based): chr9:712,217, A>T. VCF-style: chr9-712217-A-T. GRCh37 (hg19) VCF-style: chr9-712217-A-T.
Other names: c.1451A>T, p.Glu484Val (NM_001354331.2, NM_001354332.2, NM_001354334.2 and 2 more transcripts); c.977A>T, p.Glu326Val (NM_001354333.2, NM_001354335.2, NM_001354336.2 and 9 more transcripts); short protein forms E326V, E484V.
Identifiers: ClinVar variation 3347462 (VCV003347462.1).

ClinVar aggregate classification (germline): Uncertain significance (0 of 4 stars; one submission).

Conditions:
KANK1-related disorder. Also called: KANK1-related condition.

Submission:

PreventionGenetics, part of Exact Sciences
Classification: Uncertain significance for KANK1-related condition. Last evaluated: 2024-06-27. Review status: no assertion criteria provided. Collection method: clinical testing. Allele origin: germline.
Comment: The KANK1 c.1451A>T variant is predicted to result in the amino acid substitution p.Glu484Val. To our knowledge, this variant has not been reported in the literature or in a large population database, indicating this variant is rare. At this time, the clinical significance of this variant is uncertain due to the absence of conclusive functional and genetic evidence.